The following is an entry in ClinVar:

ClinVar aggregate classification (germline): Uncertain significance (1 of 4 stars; one submission).

Allele frequency attached by ClinVar (database versions not stated): gnomAD exomes 0.00001; ExAC 0.00002.
gnomAD v4.1: 21 of 1,613,912 alleles (0.0013%); highest among the groups gnomAD compares: Non-Finnish European, 0.0018%; no homozygotes.

Submission:

Labcorp Genetics (formerly Invitae), Labcorp
Classification: Uncertain significance. Last evaluated: 2022-08-22. Review status: criteria provided, single submitter. Criteria: Invitae Variant Classification Sherloc (09022015). Collection method: clinical testing. Allele origin: germline.
Comment: This sequence change falls in intron 13 of the TMC1 gene. It does not directly change the encoded amino acid sequence of the TMC1 protein. This variant is present in population databases (rs747324161, gnomAD 0.006%). This variant has not been reported in the literature in individuals affected with TMC1-related conditions. Algorithms developed to predict the effect of sequence changes on RNA splicing suggest that this variant may create or strengthen a splice site. In summary, the available evidence is currently insufficient to determine the role of this variant in disease. Therefore, it has been classified as a Variant of Uncertain Significance.

NM_138691.3(TMC1):c.885-17A>G

Gene: TMC1 (transmembrane channel like 1; plus strand). Cytogenetic location: 9q21.13.
Variant type: single nucleotide variant.
Coding change: c.885-17A>G on transcript NM_138691.3 (MANE Select); 17 bases into the intron before coding-DNA position 885, A replaced by G.
Molecular consequence: intron variant.
Genome position (GRCh38, 1-based): chr9:72,788,322, A>G. VCF-style: chr9-72788322-A-G. GRCh37 (hg19) VCF-style: chr9-75403238-A-G.
Identifiers: ClinVar variation 1897656 (VCV001897656.2), dbSNP rs747324161, ClinGen allele CA5081821.